The following is an entry in ClinVar:

NM_001967.4(EIF4A2):c.935_938del (p.Arg312fs)

Gene: EIF4A2 (eukaryotic translation initiation factor 4A2; plus strand). Cytogenetic location: 3q27.3.
Variant type: Microsatellite.
Coding change: c.935_938del on transcript NM_001967.4 (MANE Select); coding-DNA positions 935 to 938, 4 bases deleted (GAGA; older notation c.935_938delGAGA).
Protein change: p.Arg312fs; shifts the reading frame from arginine 312.
Molecular consequence: frameshift variant.
Genome position (GRCh38, 1-based): chr3:186,787,520-186,787,523, GAGA deleted; deleting any 4 consecutive bases within chr3:186,787,516-186,787,523 gives the same sequence; the c. name uses the placement nearest the transcript's 3' end. VCF-style (leftmost placement, unchanged base first): chr3-186787515-GGAGA-G. GRCh37 (hg19) VCF-style: chr3-186505304-GGAGA-G.
Other names: short protein forms R312fs.
Identifiers: ClinVar variation 2576834 (VCV002576834.2), dbSNP rs2473975403, ClinGen allele CA2580616023.

ClinVar aggregate classification (germline): Uncertain significance (1 of 4 stars; one submission).

Submission:

GeneDx
Classification: Uncertain significance. Last evaluated: 2024-11-25. Review status: criteria provided, single submitter. Criteria: GeneDx Variant Classification Process June 2021. Collection method: clinical testing. Allele origin: germline.
Comment: Frameshift variant predicted to result in protein truncation or nonsense mediated decay in a gene for which loss of function is not a well-established mechanism of disease; Not observed at significant frequency in large population cohorts (gnomAD); Has not been previously published as pathogenic or benign to our knowledge